The following is an entry in ClinVar:

ClinVar aggregate classification (germline): Pathogenic (1 of 4 stars; one submission).

Submission:

Labcorp Genetics (formerly Invitae), Labcorp
Classification: Pathogenic. Last evaluated: 2025-03-19. Review status: criteria provided, single submitter. Criteria: Invitae Variant Classification Sherloc (09022015). Collection method: clinical testing. Allele origin: germline.
Comment: This sequence change creates a premature translational stop signal (p.Glu642*) in the PHEX gene. It is expected to result in an absent or disrupted protein product. Loss-of-function variants in PHEX are known to be pathogenic (PMID: 9097956, 9106524, 19219621). This variant is not present in population databases (gnomAD no frequency). This variant has not been reported in the literature in individuals affected with PHEX-related conditions. ClinVar contains an entry for this variant (Variation ID: 2827291). Algorithms developed to predict the effect of sequence changes on RNA splicing suggest that this variant may disrupt the consensus splice site. For these reasons, this variant has been classified as Pathogenic.

Literature cited by the submitters: PubMed 9097956; PubMed 9106524; PubMed 19219621.

NM_000444.6(PHEX):c.1924G>T (p.Glu642Ter)

Genes: PHEX (phosphate regulating endopeptidase X-linked; plus strand), PTCHD1-AS (PTCHD1 and PHEX antisense RNA; minus strand). Cytogenetic location: Xp22.11.
Variant type: single nucleotide variant.
Coding change: c.1924G>T on transcript NM_000444.6 (MANE Select); coding-DNA position 1924, G replaced by T.
Protein change: p.Glu642Ter; replaces glutamic acid 642 with a stop codon.
Molecular consequence: nonsense.
Genome position (GRCh38, 1-based): chrX:22,226,467, G>T. VCF-style: chrX-22226467-G-T. GRCh37 (hg19) VCF-style: chrX-22244584-G-T.
Other names: c.1924G>T, p.Glu642Ter (NM_001282754.2); short protein forms E642*.
Identifiers: ClinVar variation 2827291 (VCV002827291.3), dbSNP rs2518674717, ClinGen allele CA412574175.